The following is an entry in ClinVar:

NM_001376.5(DYNC1H1):c.6733G>A (p.Glu2245Lys)

Gene: DYNC1H1 (dynein cytoplasmic 1 heavy chain 1; plus strand). Cytogenetic location: 14q32.31.
Variant type: single nucleotide variant.
Coding change: c.6733G>A on transcript NM_001376.5 (MANE Select); coding-DNA position 6733, G replaced by A.
Protein change: p.Glu2245Lys; replaces glutamic acid 2245 with lysine.
Molecular consequence: missense variant.
Genome position (GRCh38, 1-based): chr14:102,011,989, G>A. VCF-style: chr14-102011989-G-A. GRCh37 (hg19) VCF-style: chr14-102478326-G-A.
Other names: short protein forms E2245K.
Identifiers: ClinVar variation 1303914 (VCV001303914.3), dbSNP rs2152579066, ClinGen allele CA391057538.
Genomic context (GRCh38, chr14:102,011,989, plus strand): 5'-CCCTCGGGAAGTGGGAAGAGCATGGCCTGGCGTGTCCTGCTGAAGGCATTGGAGAGACTC[G>A]AGGGTGTGGAAGGTGTGGCCCATATCATCGACCCCAAGGCCATCAGCAAAGACCACCTCT-3'
Protein context (NP_001367.2, residues 2235-2255): RVLLKALERL[Glu2245Lys]GVEGVAHIID

ClinVar aggregate classification (germline): Uncertain significance. Review status: criteria provided, multiple submitters, no conflicts (2 of 4 stars). 2 submissions from 2 submitters: Uncertain significance (2). Last evaluated 2025-05-26.

Conditions:
Charcot-Marie-Tooth disease axonal type 2O. Also called: CHARCOT-MARIE-TOOTH NEUROPATHY, AXONAL, TYPE 2O; CHARCOT-MARIE-TOOTH DISEASE, AXONAL, AUTOSOMAL DOMINANT, TYPE 2O; Charcot-Marie-Tooth Neuropathy Type 2O; Charcot-Marie-Tooth disease, axonal, type 20. Identifiers: Orphanet 284232, MedGen C3280220, MONDO:0013644, OMIM 614228.

gnomAD v4.1: 1 of 1,614,112 alleles (0.000062%); highest among the groups gnomAD compares: Non-Finnish European, 0.000085%; no homozygotes.

Submissions (2):

Labcorp Genetics (formerly Invitae), Labcorp
Classification: Uncertain significance for Charcot-Marie-Tooth disease axonal type 2O. Last evaluated: 2025-05-26. Review status: criteria provided, single submitter. Criteria: Invitae Variant Classification Sherloc (09022015). Collection method: clinical testing. Allele origin: germline.
Comment: This sequence change replaces glutamic acid, which is acidic and polar, with lysine, which is basic and polar, at codon 2245 of the DYNC1H1 protein (p.Glu2245Lys). This variant is not present in population databases (gnomAD no frequency). This missense change has been observed in individual(s) with autism (PMID: 35982160). ClinVar contains an entry for this variant (Variation ID: 1303914). Invitae Evidence Modeling of protein sequence and biophysical properties (such as structural, functional, and spatial information, amino acid conservation, physicochemical variation, residue mobility, and thermodynamic stability) indicates that this missense variant is expected to disrupt DYNC1H1 protein function with a positive predictive value of 95%. In summary, the available evidence is currently insufficient to determine the role of this variant in disease. Therefore, it has been classified as a Variant of Uncertain Significance.

GeneDx
Classification: Uncertain significance. Last evaluated: 2020-01-06. Review status: criteria provided, single submitter. Criteria: GeneDx Variant Classification Process June 2021. Collection method: clinical testing. Allele origin: germline. Affected: yes.
Comment: Not observed in large population cohorts (Lek et al., 2016); In silico analysis, which includes protein predictors and evolutionary conservation, supports a deleterious effect; Has not been previously published as pathogenic or benign to our knowledge

Literature cited by the submitters: PubMed 35982160 (cited by Labcorp Genetics (formerly Invitae), Labcorp).